The following is an entry in ClinVar:

ClinVar aggregate classification (germline): Benign. Review status: criteria provided, multiple submitters, no conflicts (2 of 4 stars). 3 submissions from 3 submitters: Benign (2). 1 of the submissions does not count toward it. Last evaluated 2025-12-19.

Conditions:
COQ6-related disorder. Also called: COQ6-related condition.

Allele frequency attached by ClinVar (database versions not stated): gnomAD 0.00001; gnomAD exomes 0.00098; ExAC 0.00301; ESP Exome Variant Server 0.22599.

Submissions (3):

Labcorp Genetics (formerly Invitae), Labcorp
Classification: Benign. Last evaluated: 2025-12-19. Review status: criteria provided, single submitter. Criteria: Invitae Variant Classification Sherloc (09022015). Collection method: clinical testing. Allele origin: germline.

GeneDx
Classification: Benign. Last evaluated: 2015-03-03. Review status: criteria provided, single submitter. Criteria: GeneDx Variant Classification Process June 2021. Collection method: clinical testing. Allele origin: germline. Affected: yes.

PreventionGenetics, part of Exact Sciences
Classification: Likely benign for COQ6-related condition. Last evaluated: 2022-04-14. Review status: no assertion criteria provided. Collection method: clinical testing. Allele origin: germline. Not counted in ClinVar's aggregate classification.
Comment: This variant is classified as likely benign based on ACMG/AMP sequence variant interpretation guidelines (Richards et al. 2015 PMID: 25741868, with internal and published modifications).

NM_182476.3(COQ6):c.164-11del

Gene: COQ6 (coenzyme Q6, monooxygenase; plus strand). Cytogenetic location: 14q24.3.
Variant type: Deletion.
Coding change: c.164-11del on transcript NM_182476.3 (MANE Select); 11 bases into the intron before coding-DNA position 164, one base deleted (C; older notation c.164-11delC).
Molecular consequence: intron variant.
Genome position (GRCh38, 1-based): chr14:73,953,424, C deleted. VCF-style (leftmost placement, unchanged base first): chr14-73953423-TC-T. GRCh37 (hg19) VCF-style: chr14-74420126-TC-T.
Other names: c.89-11del (NM_182480.3); c.164-11delC (NM_182476.2).
Identifiers: ClinVar variation 1225685 (VCV001225685.13), dbSNP rs200558787, ClinGen allele CA7264081.